The following is an entry in ClinVar:

ClinVar aggregate classification (germline): Pathogenic. Review status: criteria provided, single submitter (1 of 4 stars). 2 submissions from 2 submitters: Pathogenic (1). 1 of the submissions does not count toward it. Last evaluated 2024-11-18.

Conditions:
Thyroid hormone resistance, generalized, autosomal dominant (GRTHD). Also called: HYPERTHYROXINEMIA, FAMILIAL EUTHYROID, SECONDARY TO PITUITARY AND PERIPHERAL RESISTANCE TO THYROID HORMONES. Identifiers: MedGen C2937288, MONDO:0008569, OMIM 188570.

Submissions (2):

Women's Health and Genetics/Laboratory Corporation of America, LabCorp
Classification: Pathogenic for Thyroid hormone resistance, generalized, autosomal dominant. Last evaluated: 2024-11-18. Review status: criteria provided, single submitter. Criteria: LabCorp Variant Classification Summary - May 2015. Collection method: clinical testing. Allele origin: germline.
Comment: Variant summary: THRB c.1341dupC (p.Thr448HisfsX17) causes a frameshift which results in an extension of the protein. The variant was absent in 251486 control chromosomes (gnomAD). c.1341dupC has been reported in the literature in at least one individual affected with Thyroid Hormone Resistance, Generalized, Autosomal Dominant (Parrilla_1991). Two publications report experimental evidence evaluating an impact on protein function and this variant disrupted protein function (Parrilla_1991, Bassett_2014). ClinVar contains an entry for this variant (Variation ID: 12549). Based on the evidence outlined above, the variant was classified as pathogenic.

OMIM
Classification: Pathogenic for THYROID HORMONE RESISTANCE, GENERALIZED, AUTOSOMAL DOMINANT. Last evaluated: 2001-12-18. Review status: no assertion criteria provided. Collection method: literature only. Allele origin: germline. Not counted in ClinVar's aggregate classification.

Literature cited by the submitters: PubMed 1661299 (cited by Women's Health and Genetics/Laboratory Corporation of America, LabCorp and OMIM); PubMed 24914936 (cited by Women's Health and Genetics/Laboratory Corporation of America, LabCorp); PubMed 11734632 (cited by OMIM); PubMed 8013151 (cited by OMIM).

NM_001354712.2(THRB):c.1341dup (p.Thr448fs)

Gene: THRB (thyroid hormone receptor beta; minus strand). Cytogenetic location: 3p24.2.
Variant type: Duplication.
Coding change: c.1341dup on transcript NM_001354712.2 (MANE Select); coding-DNA position 1341, one base duplicated (C; older notation c.1341dupC).
Protein change: p.Thr448fs; shifts the reading frame from threonine 448.
Molecular consequence: frameshift variant.
Genome position (GRCh38, 1-based): chr3:24,122,929, G duplicated on the plus strand (C on the coding strand, the reverse complement: THRB is on the minus strand); the first of 4 consecutive G bases (chr3:24,122,929-24,122,932); duplicating any one gives the same sequence. VCF-style (leftmost placement, unchanged base first): chr3-24122928-T-TG. GRCh37 (hg19) VCF-style: chr3-24164419-T-TG.
Other names: c.1341dup, p.Thr448fs (NM_000461.5, NM_001128176.3, NM_001128177.2 and 11 more transcripts); c.1248dup, p.Thr417fs (NM_001354714.2, NM_001354715.2); c.1170dup, p.Thr391fs (NM_001374827.1); c.1341dupC (NM_000461.5); short protein forms T417fs, T391fs, T448fs.
Identifiers: ClinVar variation 12549 (VCV000012549.3), dbSNP rs2471598456, ClinGen allele CA2580069704.